The following is an entry in ClinVar:

NM_024921.4(POF1B):c.*312A>C

Gene: POF1B (POF1B actin binding protein; minus strand). Cytogenetic location: Xq21.1.
Variant type: single nucleotide variant.
Coding change: c.*312A>C on transcript NM_024921.4 (MANE Select); 312 bases downstream of the stop codon, A replaced by C.
Molecular consequence: 3 prime UTR variant.
Genome position (GRCh38, 1-based): chrX:85,279,109, T>G on the plus strand (A>C on the coding strand, the complement: POF1B is on the minus strand). VCF-style: chrX-85279109-T-G. GRCh37 (hg19) VCF-style: chrX-84534115-T-G.
Identifiers: ClinVar variation 368776 (VCV000368776.6), dbSNP rs12008480, ClinGen allele CA10654416.

ClinVar aggregate classification (germline): Benign. Review status: criteria provided, multiple submitters, no conflicts (2 of 4 stars). 2 submissions from 2 submitters: Benign (2). Last evaluated 2017-04-27.

Conditions:
Premature ovarian failure 2B. Identifiers: MedGen C1845105, MONDO:0010373, OMIM 300604.

Allele frequency attached by ClinVar (database versions not stated): gnomAD exomes 0.15823; gnomAD 0.21716 and 0.22048; TOPMed 0.21920; 1000 Genomes Project 30x 0.23143; 1000 Genomes Project 0.23391.
gnomAD v4.1: 37,697 of 198,248 alleles (19%); highest among the groups gnomAD compares: African/African-American, 40%; 3,459 homozygotes.

Submissions (2):

Illumina Laboratory Services, Illumina
Classification: Benign for Premature ovarian failure 2B. Last evaluated: 2017-04-27. Review status: criteria provided, single submitter. Criteria: ICSL Variant Classification Criteria 13 December 2019. Collection method: clinical testing. Allele origin: germline.
Comment: This variant was observed as part of a predisposition screen in an ostensibly healthy population. A literature search was performed for the gene, cDNA change, and amino acid change (where applicable). No publications were found based on this search. Allele frequency data from public databases was too high to be consistent with this variant causing disease. Therefore, this variant is classified as benign.

Breakthrough Genomics
Classification: Benign. Review status: criteria provided, single submitter. Criteria: ACMG Guidelines, 2015. Collection method: not provided. Allele origin: germline. Inheritance: X-linked inheritance. Affected: yes.